The following is an entry in ClinVar:

ClinVar aggregate classification (germline): Uncertain significance (1 of 4 stars; one submission).

Conditions:
RYR1-related disorder. Also called: RYR1-related disorders; RYR1-related condition. Identifiers: MedGen CN239331.

Submission:

Labcorp Genetics (formerly Invitae), Labcorp
Classification: Uncertain significance for RYR1-related disorder. Last evaluated: 2023-04-29. Review status: criteria provided, single submitter. Criteria: Invitae Variant Classification Sherloc (09022015). Collection method: clinical testing. Allele origin: germline.
Comment: Advanced modeling of protein sequence and biophysical properties (such as structural, functional, and spatial information, amino acid conservation, physicochemical variation, residue mobility, and thermodynamic stability) performed at Invitae indicates that this missense variant is not expected to disrupt RYR1 protein function. In summary, the available evidence is currently insufficient to determine the role of this variant in disease. Therefore, it has been classified as a Variant of Uncertain Significance. ClinVar contains an entry for this variant (Variation ID: 570063). This variant has not been reported in the literature in individuals affected with RYR1-related conditions. This variant is not present in population databases (gnomAD no frequency). This sequence change replaces glutamine, which is neutral and polar, with arginine, which is basic and polar, at codon 2993 of the RYR1 protein (p.Gln2993Arg).

NM_000540.3(RYR1):c.8978A>G (p.Gln2993Arg)

Gene: RYR1 (ryanodine receptor 1; plus strand). Cytogenetic location: 19q13.2.
Variant type: single nucleotide variant.
Coding change: c.8978A>G on transcript NM_000540.3 (MANE Select); coding-DNA position 8978, A replaced by G.
Protein change: p.Gln2993Arg; replaces glutamine 2993 with arginine.
Molecular consequence: missense variant.
Genome position (GRCh38, 1-based): chr19:38,510,543, A>G. VCF-style: chr19-38510543-A-G. GRCh37 (hg19) VCF-style: chr19-39001183-A-G.
Other names: c.8978A>G, p.Gln2993Arg (NM_001042723.2); short protein forms Q2993R.
Identifiers: ClinVar variation 570063 (VCV000570063.8), dbSNP rs1568519044, ClinGen allele CA405683441.